The following is an entry in ClinVar:

NM_014956.5(CEP164):c.3107C>T (p.Ala1036Val)

Gene: CEP164 (centrosomal protein 164; plus strand). Cytogenetic location: 11q23.3.
Variant type: single nucleotide variant.
Coding change: c.3107C>T on transcript NM_014956.5 (MANE Select); coding-DNA position 3107, C replaced by T.
Protein change: p.Ala1036Val; replaces alanine 1036 with valine.
Molecular consequence: missense variant.
Genome position (GRCh38, 1-based): chr11:117,396,071, C>T. VCF-style: chr11-117396071-C-T. GRCh37 (hg19) VCF-style: chr11-117266787-C-T.
Other names: c.3116C>T, p.Ala1039Val (NM_001271933.2); short protein forms A1036V, A1039V.
Identifiers: ClinVar variation 473082 (VCV000473082.8), dbSNP rs1264586687, ClinGen allele CA382732821.

ClinVar aggregate classification (germline): Uncertain significance (1 of 4 stars; one submission).

Conditions:
Nephronophthisis 15 (NPHP15). Identifiers: Orphanet 3156, MedGen C3541853, MONDO:0013917, OMIM 614845.

Allele frequency attached by ClinVar (database versions not stated): gnomAD exomes 0.00001; TOPMed 0.00001; gnomAD 0.00002.
gnomAD v4.1: 20 of 1,614,030 alleles (0.0012%); highest among the groups gnomAD compares: African/African-American, 0.0027%; no homozygotes.

Submission:

Labcorp Genetics (formerly Invitae), Labcorp
Classification: Uncertain significance for Nephronophthisis 15. Last evaluated: 2022-06-04. Review status: criteria provided, single submitter. Criteria: Invitae Variant Classification Sherloc (09022015). Collection method: clinical testing. Allele origin: germline.
Comment: This sequence change replaces alanine, which is neutral and non-polar, with valine, which is neutral and non-polar, at codon 1036 of the CEP164 protein (p.Ala1036Val). This variant is not present in population databases (gnomAD no frequency). This variant has not been reported in the literature in individuals affected with CEP164-related conditions. ClinVar contains an entry for this variant (Variation ID: 473082). Algorithms developed to predict the effect of missense changes on protein structure and function output the following: SIFT: "Tolerated"; PolyPhen-2: "Benign"; Align-GVGD: "Class C0". The valine amino acid residue is found in multiple mammalian species, which suggests that this missense change does not adversely affect protein function. In summary, the available evidence is currently insufficient to determine the role of this variant in disease. Therefore, it has been classified as a Variant of Uncertain Significance.